The following is an entry in ClinVar:

NM_001165963.4(SCN1A):c.692C>T (p.Pro231Leu)

Gene: SCN1A (sodium voltage-gated channel alpha subunit 1; minus strand). Cytogenetic location: 2q24.3.
Variant type: single nucleotide variant.
Coding change: c.692C>T on transcript NM_001165963.4 (MANE Select); coding-DNA position 692, C replaced by T.
Protein change: p.Pro231Leu; replaces proline 231 with leucine.
Molecular consequence: missense variant. On other transcripts: 5 prime UTR variant (1), non-coding transcript variant (1).
Genome position (GRCh38, 1-based): chr2:166,052,854, G>A on the plus strand (C>T on the coding strand, the complement: SCN1A is on the minus strand). VCF-style: chr2-166052854-G-A. GRCh37 (hg19) VCF-style: chr2-166909364-G-A.
Other names: c.692C>T, p.Pro231Leu (NM_001165964.3, NM_001202435.3, NM_001353948.2 and 10 more transcripts); c.-1734C>T (NM_001353961.2); short protein forms P231L.
Identifiers: ClinVar variation 649645 (VCV000649645.3), dbSNP rs1574271532, ClinGen allele CA349074006.

ClinVar aggregate classification (germline): Uncertain significance. Review status: criteria provided, multiple submitters, no conflicts (2 of 4 stars). 2 submissions from 2 submitters: Uncertain significance (2). Last evaluated 2026-02-24.

Conditions:
Developmental and epileptic encephalopathy. Identifiers: MedGen C5779964, MONDO:0100620.

Submissions (2):

GeneDx
Classification: Uncertain significance. Last evaluated: 2026-02-24. Review status: criteria provided, single submitter. Criteria: GeneDx Variant Classification Process June 2021. Collection method: clinical testing. Allele origin: germline.
Comment: Not observed at significant frequency in large population cohorts (gnomAD); In silico analysis supports that this missense variant has a deleterious effect on protein structure/function; Has not been previously published as pathogenic or benign to our knowledge; This substitution is predicted to be within the intracellular loop between the S4 and S5 transmembrane segments of the first homologous domain

Labcorp Genetics (formerly Invitae), Labcorp
Classification: Uncertain significance for Early infantile epileptic encephalopathy with suppression bursts. Last evaluated: 2018-09-19. Review status: criteria provided, single submitter. Criteria: Invitae Variant Classification Sherloc (09022015). Collection method: clinical testing. Allele origin: germline.
Comment: This sequence change replaces proline with leucine at codon 231 of the SCN1A protein (p.Pro231Leu). The proline residue is highly conserved and there is a moderate physicochemical difference between proline and leucine. This variant is not present in population databases (ExAC no frequency). This variant has not been reported in the literature in individuals with SCN1A-related disease. Algorithms developed to predict the effect of missense changes on protein structure and function (SIFT, PolyPhen-2, Align-GVGD) all suggest that this variant is likely to be disruptive, but these predictions have not been confirmed by published functional studies and their clinical significance is uncertain. In summary, the available evidence is currently insufficient to determine the role of this variant in disease. Therefore, it has been classified as a Variant of Uncertain Significance.